The following is an entry in ClinVar:

ClinVar aggregate classification (germline): Pathogenic. Review status: criteria provided, single submitter (1 of 4 stars). 2 submissions from 2 submitters: Pathogenic (1). 1 of the submissions does not count toward it. Last evaluated 2023-12-11.

Conditions:
Cone-rod dystrophy 13 (CORD13). Identifiers: Orphanet 1872, MedGen C2750720, MONDO:0011987, OMIM 608194.
Leber congenital amaurosis 6 (LCA6). Identifiers: Orphanet 65, MedGen C1854260, MONDO:0013446, OMIM 613826.
Retinitis pigmentosa (RP). Identifiers: Orphanet 791, MedGen C0035334, MeSH D012174, MONDO:0019200, OMIM 268000. Inheritance: Autosomal dominant, autosomal recessive and X linked inheritance.

Submissions (2):

Labcorp Genetics (formerly Invitae), Labcorp
Classification: Pathogenic for Leber congenital amaurosis 6; Cone-rod dystrophy 13. Last evaluated: 2023-12-11. Review status: criteria provided, single submitter. Criteria: Invitae Variant Classification Sherloc (09022015). Collection method: clinical testing. Allele origin: germline.
Comment: This sequence change creates a premature translational stop signal (p.Arg992Glufs*9) in the RPGRIP1 gene. It is expected to result in an absent or disrupted protein product. Loss-of-function variants in RPGRIP1 are known to be pathogenic (PMID: 11528500, 23105016). This variant is not present in population databases (gnomAD no frequency). This premature translational stop signal has been observed in individual(s) with RPGRIP1-related conditions (PMID: 34722527). ClinVar contains an entry for this variant (Variation ID: 812427). For these reasons, this variant has been classified as Pathogenic.

Sharon lab, Hadassah-Hebrew University Medical Center
Classification: Pathogenic for Retinitis pigmentosa. Last evaluated: 2019-06-23. Review status: no assertion criteria provided. Collection method: research. Allele origin: inherited. Affected: yes. Not counted in ClinVar's aggregate classification.

Literature cited by the submitters: PubMed 11528500 (cited by Labcorp Genetics (formerly Invitae), Labcorp); PubMed 23105016 (cited by Labcorp Genetics (formerly Invitae), Labcorp); PubMed 34722527 (cited by Labcorp Genetics (formerly Invitae), Labcorp).

NM_020366.4(RPGRIP1):c.2974del (p.Arg992fs)

Gene: RPGRIP1 (RPGR interacting protein 1; plus strand). Cytogenetic location: 14q11.2.
Variant type: Deletion.
Coding change: c.2974del on transcript NM_020366.4 (MANE Select); coding-DNA position 2974, one base deleted (A; older notation c.2974delA).
Protein change: p.Arg992fs; shifts the reading frame from arginine 992.
Molecular consequence: frameshift variant.
Genome position (GRCh38, 1-based): chr14:21,328,502, A deleted; the last of 3 consecutive A bases (chr14:21,328,500-21,328,502); deleting any one gives the same sequence. VCF-style (leftmost placement, unchanged base first): chr14-21328499-GA-G. GRCh37 (hg19) VCF-style: chr14-21796658-GA-G.
Other names: c.952del, p.Arg318fs (NM_001377523.1, NM_001377950.1); c.1900del, p.Arg634fs (NM_001377948.1); c.1060del, p.Arg354fs (NM_001377949.1); c.454del, p.Arg152fs (NM_001377951.1); short protein forms R992fs, R152fs, R318fs, R354fs, R634fs.
Identifiers: ClinVar variation 812427 (VCV000812427.7), dbSNP rs1594224781, ClinGen allele CA915948864.
Genomic context (GRCh38, chr14:21,328,499, plus strand): 5'-CCTGAGGTTCCCATTGAAGCTGGCCAGTATCGATCTAAGAGAAAACCTCCTCATGGGGGA[GA>G]AAGAAAGGAGAAGGAGCACCAGGTTGTGAGCTACTCAAGAAGAAAACATGGCAAAAGAAT-3'